The following is an entry in ClinVar:

NM_001127222.2(CACNA1A):c.6142G>A (p.Glu2048Lys)

Gene: CACNA1A (calcium voltage-gated channel subunit alpha1 A; minus strand). Cytogenetic location: 19p13.13.
Variant type: single nucleotide variant.
Coding change: c.6142G>A on transcript NM_001127222.2 (MANE Select); coding-DNA position 6142, G replaced by A.
Protein change: p.Glu2048Lys; replaces glutamic acid 2048 with lysine.
Molecular consequence: missense variant.
Genome position (GRCh38, 1-based): chr19:13,212,431, C>T on the plus strand (G>A on the coding strand, the complement: CACNA1A is on the minus strand). VCF-style: chr19-13212431-C-T. GRCh37 (hg19) VCF-style: chr19-13323245-C-T.
Other names: c.6160G>A, p.Glu2054Lys (NM_000068.4, NM_023035.3); c.6145G>A, p.Glu2049Lys (NM_001127221.2); c.6151G>A, p.Glu2051Lys (NM_001174080.2); short protein forms E2049K, E2051K, E2054K, E2048K.
Identifiers: ClinVar variation 589967 (VCV000589967.5), dbSNP rs1568423655, ClinGen allele CA404332830.

ClinVar aggregate classification (germline): Uncertain significance (1 of 4 stars; one submission).

Conditions:
Inborn genetic diseases. Identifiers: MedGen C0950123, MeSH D030342.

Allele frequency attached by ClinVar (database versions not stated): gnomAD exomes below 0.00001.
gnomAD v4.1: 1 of 1,612,950 alleles (0.000062%); highest among the groups gnomAD compares: Non-Finnish European, 0.000085%; no homozygotes.

Submission:

Ambry Genetics
Classification: Uncertain significance for Inborn genetic diseases. Last evaluated: 2016-11-23. Review status: criteria provided, single submitter. Criteria: Ambry Variant Classification Scheme 2023. Collection method: clinical testing. Allele origin: germline.
Comment: The p.E2049K variant (also known as c.6145G>A), located in coding exon 42 of the CACNA1A gene, results from a G to A substitution at nucleotide position 6145. The glutamic acid at codon 2049 is replaced by lysine, an amino acid with similar properties. This amino acid position is well conserved in available vertebrate species. In addition, the in silico prediction for this alteration is inconclusive. Since supporting evidence is limited at this time, the clinical significance of this variant remains unclear.